The following is an entry in ClinVar:

ClinVar aggregate classification (germline): Uncertain significance (1 of 4 stars; one submission).

Submission:

GeneDx
Classification: Uncertain significance. Last evaluated: 2022-02-24. Review status: criteria provided, single submitter. Criteria: GeneDx Variant Classification Process June 2021. Collection method: clinical testing. Allele origin: germline. Affected: yes.
Comment: Not observed at significant frequency in large population cohorts (gnomAD); In silico analysis supports that this missense variant has a deleterious effect on protein structure/function; Has not been previously published as pathogenic or benign to our knowledge; This variant is associated with the following publications: (PMID: 25486365, 2121369)

NM_001042492.3(NF1):c.3349T>G (p.Cys1117Gly)

Gene: NF1 (neurofibromin 1; plus strand). Cytogenetic location: 17q11.2.
Variant type: single nucleotide variant.
Coding change: c.3349T>G on transcript NM_001042492.3 (MANE Select); coding-DNA position 3349, T replaced by G.
Protein change: p.Cys1117Gly; replaces cysteine 1117 with glycine.
Molecular consequence: missense variant.
Genome position (GRCh38, 1-based): chr17:31,232,734, T>G. VCF-style: chr17-31232734-T-G. GRCh37 (hg19) VCF-style: chr17-29559752-T-G.
Other names: c.3349T>G, p.Cys1117Gly (NM_000267.4); short protein forms C1117G.
Identifiers: ClinVar variation 1706415 (VCV001706415.2), dbSNP rs2151434511, ClinGen allele CA398989043.
Genomic context (GRCh38, chr17:31,232,734, plus strand): 5'-TAAAGGTCAGTCTTTTTATTTCTCAGATACTTCACATTATTTATGAACCTTTTGAATGAC[T>G]GCAGTGAAGTTGAAGATGAAAGTGCGCAAACAGGTGGCAGGAAACGTGGCATGTCTCGGA-3'
Protein context (NP_001035957.1, residues 1107-1127): FTLFMNLLND[Cys1117Gly]SEVEDESAQT